The following is an entry in ClinVar:

NM_000465.4(BARD1):c.1289C>G (p.Thr430Ser)

Gene: BARD1 (BRCA1 associated RING domain 1; minus strand). Cytogenetic location: 2q35.
Variant type: single nucleotide variant.
Coding change: c.1289C>G on transcript NM_000465.4 (MANE Select); coding-DNA position 1289, C replaced by G.
Protein change: p.Thr430Ser; replaces threonine 430 with serine.
Molecular consequence: missense variant. On other transcripts: non-coding transcript variant (2), intron variant (3).
Genome position (GRCh38, 1-based): chr2:214,780,585, G>C on the plus strand (C>G on the coding strand, the complement: BARD1 is on the minus strand). VCF-style: chr2-214780585-G-C. GRCh37 (hg19) VCF-style: chr2-215645309-G-C.
Other names: p.T430S:ACT>AGT; c.1232C>G, p.Thr411Ser (NM_001282543.2); c.159-28030C>G (NM_001282548.2); c.215+16476C>G (NM_001282545.2); c.364+11712C>G (NM_001282549.2); short protein forms T430S, T411S.
Identifiers: ClinVar variation 127714 (VCV000127714.16), dbSNP rs587780015, ClinGen allele CA287512.

ClinVar aggregate classification (germline): Uncertain significance. Review status: criteria provided, multiple submitters, no conflicts (2 of 4 stars). 4 submissions from 4 submitters: Uncertain significance (4). Last evaluated 2025-12-24.

Conditions:
Hereditary cancer-predisposing syndrome. Also called: Hereditary Cancer Syndrome; Hereditary neoplastic syndrome; Tumor predisposition; Neoplastic Syndromes, Hereditary. Identifiers: Orphanet 140162, MedGen C0027672, MeSH D009386, MONDO:0015356.
Familial cancer of breast. Also called: BREAST CANCER, FAMILIAL; hereditary breast carcinoma; Hereditary breast cancer. Identifiers: Orphanet 227535, MedGen C0346153, MONDO:0016419, OMIM 114480. Disease mechanism: loss of function.

Allele frequency attached by ClinVar (database versions not stated): gnomAD exomes below 0.00001 and 0.00001.
gnomAD v4.1: 5 of 1,613,970 alleles (0.00031%); highest among the groups gnomAD compares: Non-Finnish European, 0.00042%; no homozygotes.

Submissions (4):

Labcorp Genetics (formerly Invitae), Labcorp
Classification: Uncertain significance for Familial cancer of breast. Last evaluated: 2025-12-24. Review status: criteria provided, single submitter. Criteria: Invitae Variant Classification Sherloc (09022015). Collection method: clinical testing. Allele origin: germline.
Comment: This sequence change replaces threonine, which is neutral and polar, with serine, which is neutral and polar, at codon 430 of the BARD1 protein (p.Thr430Ser). This variant is present in population databases (rs587780015, gnomAD 0.002%). This missense change has been observed in individual(s) with ovarian cancer (PMID: 34326862). ClinVar contains an entry for this variant (Variation ID: 127714). An algorithm developed to predict the effect of missense changes on protein structure and function (PolyPhen-2) suggests that this variant is likely to be disruptive. In summary, the available evidence is currently insufficient to determine the role of this variant in disease. Therefore, it has been classified as a Variant of Uncertain Significance.

Ambry Genetics
Classification: Uncertain significance for Hereditary cancer-predisposing syndrome. Last evaluated: 2025-06-30. Review status: criteria provided, single submitter. Criteria: Ambry Variant Classification Scheme 2023. Collection method: clinical testing. Allele origin: germline.
Comment: The p.T430S variant (also known as c.1289C>G), located in coding exon 4 of the BARD1 gene, results from a C to G substitution at nucleotide position 1289. The threonine at codon 430 is replaced by serine, an amino acid with similar properties. This amino acid position is highly conserved in available vertebrate species. In addition, the in silico prediction for this alteration is inconclusive. Since supporting evidence is limited at this time, the clinical significance of this alteration remains unclear.

Color Diagnostics, LLC DBA Color Health
Classification: Uncertain significance for Hereditary cancer-predisposing syndrome. Last evaluated: 2025-01-07. Review status: criteria provided, single submitter. Criteria: ACMG Guidelines, 2015. Collection method: clinical testing. Allele origin: germline.
Comment: This missense variant replaces threonine with serine at codon 430 of the BARD1 protein. Computational prediction is inconclusive regarding the impact of this variant on protein structure and function. To our knowledge, functional studies have not been reported for this variant. This variant has been reported in an individual affected with ovarian cancer (PMID: 34326862). This variant has been identified in 2/250854 chromosomes in the general population by the Genome Aggregation Database (gnomAD). The available evidence is insufficient to determine the role of this variant in disease conclusively. Therefore, this variant is classified as a Variant of Uncertain Significance.

GeneDx
Classification: Uncertain significance. Last evaluated: 2017-06-28. Review status: criteria provided, single submitter. Criteria: GeneDx Variant Classification (06012015). Collection method: clinical testing. Allele origin: germline. Affected: yes.
Comment: This variant is denoted BARD1 c.1289C>G at the cDNA level, p.Thr430Ser (T430S) at the protein level, and results in the change of a Threonine to a Serine (ACT>AGT). This variant has not, to our knowledge, been published in the literature as pathogenic or benign. BARD1 Thr430Ser was observed at an allele frequency of 0.003% (2/66422) in individuals of European ancestry (Non-Finnish) in large population cohorts (NHLBI Exome Sequencing Project, The 1000 Genomes Consortium 2015, Lek 2016). Since Threonine and Serine share similar properties, this is considered a conservative amino acid substitution. BARD1 Thr430Ser occurs at a position that is conserved across species and is located in the first ANK repeat region (Fox 2008). In silico analyses predict that this variant is probably damaging to protein structure and function. Based on currently available evidence, it is unclear whether BARD1 Thr430Ser is a pathogenic or benign variant. We consider it to be a variant of uncertain significance.

Literature cited by the submitters: PubMed 34326862 (cited by Labcorp Genetics (formerly Invitae), Labcorp and Color Diagnostics, LLC DBA Color Health).